The following is an entry in ClinVar:

ClinVar aggregate classification (germline): Uncertain significance. Review status: criteria provided, multiple submitters, no conflicts (2 of 4 stars). 2 submissions from 2 submitters: Uncertain significance (2). Last evaluated 2025-12-02.

Conditions:
Inborn genetic diseases. Identifiers: MedGen C0950123, MeSH D030342.

gnomAD v4.1: 43 of 1,612,442 alleles (0.0027%); highest among the groups gnomAD compares: Non-Finnish European, 0.0031%; no homozygotes.

Submissions (2):

Ambry Genetics
Classification: Uncertain significance for Inborn genetic diseases. Last evaluated: 2025-12-02. Review status: criteria provided, single submitter. Criteria: Ambry Variant Classification Scheme 2023. Collection method: clinical testing. Allele origin: germline.

Women's Health and Genetics/Laboratory Corporation of America, LabCorp
Classification: Uncertain significance. Last evaluated: 2025-09-23. Review status: criteria provided, single submitter. Criteria: LabCorp Variant Classification Summary - May 2015. Collection method: clinical testing. Allele origin: germline.
Comment: Variant summary: TBXA2R c.574G>A (p.Gly192Arg) results in a non-conservative amino acid change in the encoded protein sequence. Algorithms developed to predict the effect of missense changes on protein structure and function are either unavailable or do not agree on the potential impact of this missense change. The variant was absent in 242316 control chromosomes. The available data on variant occurrences in the general population are insufficient to allow any conclusion about variant significance. To our knowledge, no occurrence of c.574G>A in individuals affected with TBXA2R-related conditions and no experimental evidence demonstrating its impact on protein function have been reported. ClinVar contains an entry for this variant (Variation ID: 3629818). Based on the evidence outlined above, the variant was classified as uncertain significance.

NM_001060.6(TBXA2R):c.574G>A (p.Gly192Arg)

Gene: TBXA2R (thromboxane A2 receptor; minus strand). Cytogenetic location: 19p13.3.
Variant type: single nucleotide variant.
Coding change: c.574G>A on transcript NM_001060.6 (MANE Select); coding-DNA position 574, G replaced by A.
Protein change: p.Gly192Arg; replaces glycine 192 with arginine.
Molecular consequence: missense variant.
Genome position (GRCh38, 1-based): chr19:3,600,061, C>T on the plus strand (G>A on the coding strand, the complement: TBXA2R is on the minus strand). VCF-style: chr19-3600061-C-T. GRCh37 (hg19) VCF-style: chr19-3600059-C-T.
Other names: c.574G>A, p.Gly192Arg (NM_201636.3); short protein forms G192R.
Identifiers: ClinVar variation 3629818 (VCV003629818.3).
Genomic context (GRCh38, chr19:3,600,061, plus strand): 5'-AGGACAGCCCGACCGAGAGGCCGCCCAGCATGGAGAAGAGCAGCCCGAAGGCCACGTCCC[C>T]GGACTCGGCGCCCAGCGTCAGGAAGCACCAGGACCCCGGGTATTGCACGGTGTAGCGACC-3'
Protein context (NP_001051.1, residues 182-202): WCFLTLGAES[Gly192Arg]DVAFGLLFSM